The following is an entry in ClinVar:

ClinVar aggregate classification (germline): Uncertain significance (1 of 4 stars; one submission).

Conditions:
Hereditary nonpolyposis colorectal neoplasms. Identifiers: MedGen C0009405, MeSH D003123.

Submission:

Labcorp Genetics (formerly Invitae), Labcorp
Classification: Uncertain significance for Hereditary nonpolyposis colorectal neoplasms. Last evaluated: 2024-09-15. Review status: criteria provided, single submitter. Criteria: Invitae Variant Classification Sherloc (09022015). Collection method: clinical testing. Allele origin: germline.
Comment: This sequence change replaces valine, which is neutral and non-polar, with glycine, which is neutral and non-polar, at codon 734 of the MSH6 protein (p.Val734Gly). This variant is not present in population databases (gnomAD no frequency). This variant has not been reported in the literature in individuals affected with MSH6-related conditions. Invitae Evidence Modeling of protein sequence and biophysical properties (such as structural, functional, and spatial information, amino acid conservation, physicochemical variation, residue mobility, and thermodynamic stability) indicates that this missense variant is expected to disrupt MSH6 protein function with a positive predictive value of 80%. In summary, the available evidence is currently insufficient to determine the role of this variant in disease. Therefore, it has been classified as a Variant of Uncertain Significance.

NM_000179.3(MSH6):c.2201T>G (p.Val734Gly)

Gene: MSH6 (mutS homolog 6; plus strand). Cytogenetic location: 2p16.3.
Variant type: single nucleotide variant.
Coding change: c.2201T>G on transcript NM_000179.3 (MANE Select); coding-DNA position 2201, T replaced by G.
Protein change: p.Val734Gly; replaces valine 734 with glycine.
Molecular consequence: missense variant. On other transcripts: non-coding transcript variant (5), intron variant (2).
Genome position (GRCh38, 1-based): chr2:47,800,184, T>G. VCF-style: chr2-47800184-T-G. GRCh37 (hg19) VCF-style: chr2-48027323-T-G.
Other names: c.2201T>G, p.Val734Gly (NM_001406808.1, NM_001406809.1, NM_001406796.1 and 3 more transcripts); c.1295T>G, p.Val432Gly (NM_001406811.1, NM_001406812.1, NM_001406814.1 and 6 more transcripts); c.2207T>G, p.Val736Gly (NM_001406813.1); c.1904T>G, p.Val635Gly (NM_001406818.1, NM_001406797.1, NM_001406801.1 and 10 more transcripts); c.1811T>G, p.Val604Gly (NM_001281492.2); c.2297T>G, p.Val766Gly (NM_001406795.1, NM_001406802.1); c.1676T>G, p.Val559Gly (NM_001406799.1, NM_001406806.1, NM_001406807.1); c.2123T>G, p.Val708Gly (NM_001406804.1); and 3 more; short protein forms V678G, V766G, V604G, V432G, V635G, V708G, V734G, V559G.
Identifiers: ClinVar variation 3633946 (VCV003633946.2).
Genomic context (GRCh38, chr2:47,800,184, plus strand): 5'-CTGACACAGTCAGCACTACAAGATCTGGTGCTATCTTCACCAAAGCCTATCAACGAATGG[T>G]GCTAGATGCAGTGACATTAAACAACTTGGAGATTTTTCTGAATGGAACAAATGGTTCTAC-3'
Protein context (NP_000170.1, residues 724-744): AIFTKAYQRM[Val734Gly]LDAVTLNNLE